The following is an entry in ClinVar:

ClinVar aggregate classification (germline): Likely benign. Review status: criteria provided, single submitter (1 of 4 stars). 2 submissions from 2 submitters: Likely benign (1). 1 of the submissions does not count toward it. Last evaluated 2025-10-01.

Conditions:
CREBBP-related disorder. Also called: CREBBP-related disorders; CREBBP-related condition.
Rubinstein-Taybi syndrome (RSTS). Identifiers: Orphanet 783, MedGen C0035934, MONDO:0019188.

gnomAD v4.1: 65 of 1,614,030 alleles (0.004%); highest among the groups gnomAD compares: Non-Finnish European, 0.0053%; no homozygotes.

Submissions (2):

Labcorp Genetics (formerly Invitae), Labcorp
Classification: Likely benign for Rubinstein-Taybi syndrome. Last evaluated: 2025-10-01. Review status: criteria provided, single submitter. Criteria: Invitae Variant Classification Sherloc (09022015). Collection method: clinical testing. Allele origin: germline.

PreventionGenetics, part of Exact Sciences
Classification: Likely benign for CREBBP-related condition. Last evaluated: 2022-05-28. Review status: no assertion criteria provided. Collection method: clinical testing. Allele origin: germline. Not counted in ClinVar's aggregate classification.
Comment: This variant is classified as likely benign based on ACMG/AMP sequence variant interpretation guidelines (Richards et al. 2015 PMID: 25741868, with internal and published modifications).

NM_004380.3(CREBBP):c.6480G>T (p.Ala2160=)

Gene: CREBBP (CREB binding lysine acetyltransferase; minus strand). Cytogenetic location: 16p13.3.
Variant type: single nucleotide variant.
Coding change: c.6480G>T on transcript NM_004380.3 (MANE Select); coding-DNA position 6480, G replaced by T.
Protein change: p.Ala2160=; no amino-acid change (alanine 2160 retained).
Molecular consequence: synonymous variant.
Genome position (GRCh38, 1-based): chr16:3,728,567, C>A on the plus strand (G>T on the coding strand, the complement: CREBBP is on the minus strand). VCF-style: chr16-3728567-C-A. GRCh37 (hg19) VCF-style: chr16-3778568-C-A.
Other names: c.6366G>T, p.Ala2122= (NM_001079846.1); c.6480G>T (NM_004380.2).
Identifiers: ClinVar variation 2883618 (VCV002883618.4), dbSNP rs1281471008, ClinGen allele CA493393757.